The following is an entry in ClinVar:

ClinVar aggregate classification (germline): Uncertain significance. Review status: criteria provided, multiple submitters, no conflicts (2 of 4 stars). 2 submissions from 2 submitters: Uncertain significance (2). Last evaluated 2023-06-27.

Conditions:
Inborn genetic diseases. Identifiers: MedGen C0950123, MeSH D030342.

Allele frequency attached by ClinVar (database versions not stated): gnomAD exomes below 0.00001; TOPMed 0.00001.

Submissions (2):

Labcorp Genetics (formerly Invitae), Labcorp
Classification: Uncertain significance. Last evaluated: 2023-06-27. Review status: criteria provided, single submitter. Criteria: Invitae Variant Classification Sherloc (09022015). Collection method: clinical testing. Allele origin: germline.
Comment: This sequence change replaces arginine, which is basic and polar, with isoleucine, which is neutral and non-polar, at codon 472 of the CSF2RB protein (p.Arg472Ile). In summary, the available evidence is currently insufficient to determine the role of this variant in disease. Therefore, it has been classified as a Variant of Uncertain Significance. Advanced modeling of protein sequence and biophysical properties (such as structural, functional, and spatial information, amino acid conservation, physicochemical variation, residue mobility, and thermodynamic stability) performed at Invitae indicates that this missense variant is expected to disrupt CSF2RB protein function. ClinVar contains an entry for this variant (Variation ID: 1928391). This variant has not been reported in the literature in individuals affected with CSF2RB-related conditions. This variant is not present in population databases (gnomAD no frequency).

Ambry Genetics
Classification: Uncertain significance for Inborn genetic diseases. Last evaluated: 2021-10-14. Review status: criteria provided, single submitter. Criteria: Ambry Variant Classification Scheme 2023. Collection method: clinical testing. Allele origin: germline.

NM_000395.3(CSF2RB):c.1415G>T (p.Arg472Ile)

Gene: CSF2RB (colony stimulating factor 2 receptor subunit beta; plus strand). Cytogenetic location: 22q12.3.
Variant type: single nucleotide variant.
Coding change: c.1415G>T on transcript NM_000395.3 (MANE Select); coding-DNA position 1415, G replaced by T.
Protein change: p.Arg472Ile; replaces arginine 472 with isoleucine.
Molecular consequence: missense variant.
Genome position (GRCh38, 1-based): chr22:36,935,638, G>T. VCF-style: chr22-36935638-G-T. GRCh37 (hg19) VCF-style: chr22-37331680-G-T.
Other names: c.1433G>T, p.Arg478Ile (NM_001410827.1); short protein forms R478I, R472I.
Identifiers: ClinVar variation 1928391 (VCV001928391.6), dbSNP rs1243926450, ClinGen allele CA411409377.
Genomic context (GRCh38, chr22:36,935,638, plus strand): 5'-AGCAGCTGGCCATGAGGTCTCTGATGGCTGTCACCTCCGTGGTGTCTTCCAGGCTGCGCA[G>T]AAAGTGGGAGGAGAAGATCCCCAACCCCAGCAAGAGCCACCTGTTCCAGGTAGGAACTGG-3'
Protein context (NP_000386.1, residues 462-482): FCGIYGYRLR[Arg472Ile]KWEEKIPNPS